The following is an entry in ClinVar:

ClinVar aggregate classification (germline): Uncertain significance (1 of 4 stars; one submission).

Conditions:
Glycogen storage disease type III (GSD3). Also called: Cori disease; FORBES DISEASE. Identifiers: Orphanet 366, MedGen C0017922, MONDO:0009291, OMIM 232400.

Submission:

Labcorp Genetics (formerly Invitae), Labcorp
Classification: Uncertain significance for Glycogen storage disease type III. Last evaluated: 2021-08-31. Review status: criteria provided, single submitter. Criteria: Invitae Variant Classification Sherloc (09022015). Collection method: clinical testing. Allele origin: germline.
Comment: This sequence change replaces tyrosine with histidine at codon 831 of the AGL protein (p.Tyr831His). The tyrosine residue is weakly conserved and there is a moderate physicochemical difference between tyrosine and histidine. This variant is not present in population databases (ExAC no frequency). This variant has not been reported in the literature in individuals affected with AGL-related conditions. Algorithms developed to predict the effect of missense changes on protein structure and function (SIFT, PolyPhen-2, Align-GVGD) all suggest that this variant is likely to be tolerated. In summary, the available evidence is currently insufficient to determine the role of this variant in disease. Therefore, it has been classified as a Variant of Uncertain Significance.

NM_000642.3(AGL):c.2491T>C (p.Tyr831His)

Gene: AGL (amylo-alpha-1,6-glucosidase and 4-alpha-glucanotransferase; plus strand). Cytogenetic location: 1p21.2.
Variant type: single nucleotide variant.
Coding change: c.2491T>C on transcript NM_000642.3 (MANE Select); coding-DNA position 2491, T replaced by C.
Protein change: p.Tyr831His; replaces tyrosine 831 with histidine.
Molecular consequence: missense variant.
Genome position (GRCh38, 1-based): chr1:99,884,396, T>C. VCF-style: chr1-99884396-T-C. GRCh37 (hg19) VCF-style: chr1-100349952-T-C.
Other names: c.2491T>C, p.Tyr831His (NM_000028.3, NM_000643.3, NM_000644.3 and 2 more transcripts); c.2443T>C, p.Tyr815His (NM_000646.3); c.2290T>C, p.Tyr764His (NM_001425327.1); c.2287T>C, p.Tyr763His (NM_001425328.1, NM_001425329.1); c.2113T>C, p.Tyr705His (NM_001425332.1); short protein forms Y831H, Y815H, Y705H, Y763H, Y764H.
Identifiers: ClinVar variation 1499099 (VCV001499099.5), dbSNP rs2100768935, ClinGen allele CA341321223.